The following is an entry in ClinVar:

NM_015102.5(NPHP4):c.3518G>A (p.Arg1173His)

Gene: NPHP4 (nephrocystin 4; minus strand). Cytogenetic location: 1p36.31.
Variant type: single nucleotide variant.
Coding change: c.3518G>A on transcript NM_015102.5 (MANE Select); coding-DNA position 3518, G replaced by A.
Protein change: p.Arg1173His; replaces arginine 1173 with histidine.
Molecular consequence: missense variant. On other transcripts: non-coding transcript variant (1).
Genome position (GRCh38, 1-based): chr1:5,867,070, C>T on the plus strand (G>A on the coding strand, the complement: NPHP4 is on the minus strand). VCF-style: chr1-5867070-C-T. GRCh37 (hg19) VCF-style: chr1-5927130-C-T.
Other names: p.Arg1173His; c.1979G>A, p.Arg660His (NM_001291593.2); c.1982G>A, p.Arg661His (NM_001291594.2); short protein forms R1173H, R660H, R661H.
Identifiers: ClinVar variation 297794 (VCV000297794.22), dbSNP rs137932153, ClinGen allele CA553576.
Genomic context (GRCh38, chr1:5,867,070, plus strand): 5'-GGGGCCACAACACAACCTACCACATTCTGGGTCTCACAGATGACGTTCGGGTCGCTGCAG[C>T]GAACATGGACTGGGGGGTCCTCACCAAGCATTCCCACCGGAGCACCTGGAGCAGGGGAAA-3'
Protein context (NP_055917.1, residues 1163-1183): MLGEDPPVHV[Arg1173His]CSDPNVICET

ClinVar aggregate classification (germline): Conflicting classifications of pathogenicity. Review status: criteria provided, conflicting classifications (1 of 4 stars). 10 submissions from 9 submitters: Uncertain significance (8); Likely benign (2). Last evaluated 2025-12-13.

Conditions:
Inborn genetic diseases. Identifiers: MedGen C0950123, MeSH D030342.
Nephronophthisis. Also called: Juvenile Nephronophthisis. Identifiers: Orphanet 655, MedGen C0687120, MONDO:0019005, HP:0000090.
Senior-Loken syndrome 4 (SLSN4). Identifiers: Orphanet 3156, MedGen C1846979, MONDO:0011756, OMIM 606996.
NPHP4-related disorder. Also called: NPHP4-related disorders; NPHP4-related condition. Identifiers: MedGen CN239384.
Nephronophthisis 4 (NPHP4). Also called: NEPHRONOPHTHISIS 4, JUVENILE. Identifiers: Orphanet 655, MedGen C1847013, MONDO:0011752, OMIM 606966.

Allele frequency attached by ClinVar (database versions not stated): TOPMed 0.00018; gnomAD 0.00019 and 0.00021; ExAC 0.00020; gnomAD exomes 0.00021 and 0.00024; 1000 Genomes Project 30x 0.00031; 1000 Genomes Project 0.00040; ESP Exome Variant Server 0.00040.

Submissions (10):

Labcorp Genetics (formerly Invitae), Labcorp
Classification: Likely benign for Nephronophthisis. Last evaluated: 2025-12-13. Review status: criteria provided, single submitter. Criteria: Invitae Variant Classification Sherloc (09022015). Collection method: clinical testing. Allele origin: germline.

Mayo Clinic Laboratories, Mayo Clinic
Classification: Uncertain significance. Last evaluated: 2025-12-11. Review status: criteria provided, single submitter. Criteria: ACMG Guidelines, 2015. Collection method: clinical testing. Allele origin: germline. Observed: 1 variant allele.

PreventionGenetics, part of Exact Sciences
Classification: Uncertain significance for NPHP4-related condition. Last evaluated: 2025-12-01. Review status: criteria provided, single submitter. Criteria: ACMG Guidelines, 2015. Collection method: clinical testing. Allele origin: germline.
Comment: The NPHP4 c.3518G>A variant is predicted to result in the amino acid substitution p.Arg1173His. To our knowledge, this variant has not been reported in the literature. This variant is reported in 0.042% of alleles in individuals of European (Non-Finnish) descent in gnomAD. At this time, the clinical significance of this variant is uncertain due to the absence of conclusive functional and genetic evidence.

Blueprint Genetics
Classification: Likely benign. Last evaluated: 2024-11-18. Review status: criteria provided, single submitter. Criteria: ACMG Guidelines, 2015. Collection method: clinical testing. Allele origin: germline.

Fulgent Genetics
Classification: Uncertain significance for Nephronophthisis 4; Senior-Loken syndrome 4. Last evaluated: 2024-04-22. Review status: criteria provided, single submitter. Criteria: ACMG Guidelines, 2015. Collection method: clinical testing. Allele origin: germline.

Ambry Genetics
Classification: Uncertain significance for Inborn genetic diseases. Last evaluated: 2021-06-11. Review status: criteria provided, single submitter. Criteria: Ambry Variant Classification Scheme 2023. Collection method: clinical testing. Allele origin: germline.

GeneDx
Classification: Uncertain significance. Last evaluated: 2019-10-02. Review status: criteria provided, single submitter. Criteria: GeneDx Variant Classification Process June 2021. Collection method: clinical testing. Allele origin: germline. Affected: yes.
Comment: In silico analysis, which includes protein predictors and evolutionary conservation, supports a deleterious effect; Has not been previously published as pathogenic or benign to our knowledge

Illumina Laboratory Services, Illumina
Classification: Uncertain significance for Nephronophthisis 4. Last evaluated: 2018-01-13. Review status: criteria provided, single submitter. Criteria: ICSL Variant Classification Criteria 13 December 2019. Collection method: clinical testing. Allele origin: germline.

Illumina Laboratory Services, Illumina
Classification: Uncertain significance for Senior-Loken syndrome 4. Last evaluated: 2018-01-13. Review status: criteria provided, single submitter. Criteria: ICSL Variant Classification Criteria 13 December 2019. Collection method: clinical testing. Allele origin: germline.

Eurofins Ntd Llc (ga)
Classification: Uncertain significance. Last evaluated: 2017-01-11. Review status: criteria provided, single submitter. Criteria: EGL Classification Definitions 2015. Collection method: clinical testing. Allele origin: germline. Observed: 1 variant allele, 1 heterozygote.